The following is an entry in ClinVar:

ClinVar aggregate classification (germline): Uncertain significance. Review status: criteria provided, multiple submitters, no conflicts (2 of 4 stars). 3 submissions from 3 submitters: Uncertain significance (3). Last evaluated 2022-01-20.

Conditions:
Familial cancer of breast. Also called: Hereditary breast cancer; BREAST CANCER, FAMILIAL; hereditary breast carcinoma. Identifiers: Orphanet 227535, MedGen C0346153, MONDO:0016419, OMIM 114480. Disease mechanism: loss of function.
Ataxia-telangiectasia syndrome (AT). Also called: LOUIS-BAR SYNDROME; Cerebello-oculocutaneous telangiectasia; Immunodeficiency with ataxia telangiectasia; Ataxia-telangiectasia, complementation group D; AT, COMPLEMENTATION GROUP C; Ataxia-telangiectasia, complementation group E. Identifiers: Orphanet 100, MedGen C0004135, MONDO:0008840, OMIM 208900.

Submissions (3):

GeneDx
Classification: Uncertain significance. Last evaluated: 2022-01-20. Review status: criteria provided, single submitter. Criteria: GeneDx Variant Classification Process June 2021. Collection method: clinical testing. Allele origin: germline. Affected: yes.
Comment: Not observed at significant frequency in large population cohorts (gnomAD); In silico analysis supports that this missense variant has a deleterious effect on protein structure/function; Has not been previously published as pathogenic or benign to our knowledge; This variant is associated with the following publications: (PMID: 23532176)

MGZ Medical Genetics Center
Classification: Uncertain significance for Familial cancer of breast. Last evaluated: 2021-10-04. Review status: criteria provided, single submitter. Criteria: ACMG Guidelines, 2015. Collection method: clinical testing. Allele origin: germline. Affected: yes. Observed: 1 variant allele.
Comment: ACMG criteria applied: PM2_SUP, PP3

Labcorp Genetics (formerly Invitae), Labcorp
Classification: Uncertain significance for Ataxia-telangiectasia syndrome. Last evaluated: 2021-07-09. Review status: criteria provided, single submitter. Criteria: Invitae Variant Classification Sherloc (09022015). Collection method: clinical testing. Allele origin: germline.
Comment: This sequence change replaces cysteine with serine at codon 2931 of the ATM protein (p.Cys2931Ser). The cysteine residue is highly conserved and there is a moderate physicochemical difference between cysteine and serine. This variant is not present in population databases (ExAC no frequency) and has not been reported in the literature in individuals with a ATM-related disease. Algorithms developed to predict the effect of missense changes on protein structure and function do not agree on the potential impact of this missense change (SIFT: "Tolerated"; PolyPhen-2: "Probably Damaging"; Align-GVGD: "Class C0"). In summary, this variant is a novel missense change with uncertain impact on protein function. It has been classified as a Variant of Uncertain Significance.

NM_000051.4(ATM):c.8792G>C (p.Cys2931Ser)

Genes: ATM (ATM serine/threonine kinase; plus strand), C11orf65 (chromosome 11 open reading frame 65; minus strand). Cytogenetic location: 11q22.3.
Variant type: single nucleotide variant.
Coding change: c.8792G>C on transcript NM_000051.4 (MANE Select); coding-DNA position 8792, G replaced by C.
Protein change: p.Cys2931Ser; replaces cysteine 2931 with serine.
Molecular consequence: missense variant. On other transcripts: intron variant (2).
Genome position (GRCh38, 1-based): chr11:108,354,816, G>C. VCF-style: chr11-108354816-G-C. GRCh37 (hg19) VCF-style: chr11-108225543-G-C.
Other names: c.8792G>C, p.Cys2931Ser (NM_001351834.2); c.640+31104C>G (NM_001330368.2); c.695-19524C>G (NM_001351110.2); short protein forms C2931S.
Identifiers: ClinVar variation 407498 (VCV000407498.15), dbSNP rs1060501563, ClinGen allele CA16613524.